The following is an entry in ClinVar:

NM_002080.4(GOT2):c.562G>A (p.Gly188Ser)

Genes: GOT2 (glutamic-oxaloacetic transaminase 2; minus strand), LOC126862363 (BRD4-independent group 4 enhancer GRCh37_chr16:58751959-58753158; plus strand). Cytogenetic location: 16q21.
Variant type: single nucleotide variant.
Coding change: c.562G>A on transcript NM_002080.4 (MANE Select); coding-DNA position 562, G replaced by A.
Protein change: p.Gly188Ser; replaces glycine 188 with serine.
Molecular consequence: missense variant.
Genome position (GRCh38, 1-based): chr16:58,718,562, C>T on the plus strand (G>A on the coding strand, the complement: GOT2 is on the minus strand). VCF-style: chr16-58718562-C-T. GRCh37 (hg19) VCF-style: chr16-58752466-C-T.
Other names: c.433G>A, p.Gly145Ser (NM_001286220.2); c.562G>A (NM_002080.3); short protein forms G145S, G188S.
Identifiers: ClinVar variation 1555382 (VCV001555382.10), dbSNP rs11076256, ClinGen allele CA8091019.
Genomic context (GRCh38, chr16:58,718,562, plus strand): 5'-CTCTCACCCTGAAAGCCACACTTACTGAAATATCCTCCACAGCGCCTGTGAAGTCAAAAC[C>T]GCAAGTCTTGGGGTCATAATACCGATAACCTTGTAGCTGCATGCCAGCATCCCTGAAGAT-3'
Protein context (NP_002071.2, residues 178-198): GYRYYDPKTC[Gly188Ser]FDFTGAVEDI

ClinVar aggregate classification (germline): Benign. Review status: criteria provided, multiple submitters, no conflicts (2 of 4 stars). 3 submissions from 3 submitters: Benign (2). 1 of the submissions does not count toward it. Last evaluated 2026-02-01.

Conditions:
GOT2-related disorder. Also called: GOT2-related condition.

Allele frequency attached by ClinVar (database versions not stated): gnomAD 0.05675 and 0.05719; 1000 Genomes Project 30x 0.04528; TOPMed 0.05341; ExAC 0.06438; gnomAD exomes 0.07588 and 0.06121; 1000 Genomes Project 0.04613; ESP Exome Variant Server 0.06302.
gnomAD v4.1: 117,575 of 1,596,714 alleles (7.4%); highest among the groups gnomAD compares: South Asian, 9%; 4,759 homozygotes.

Submissions (3):

Labcorp Genetics (formerly Invitae), Labcorp
Classification: Benign. Last evaluated: 2026-02-01. Review status: criteria provided, single submitter. Criteria: Invitae Variant Classification Sherloc (09022015). Collection method: clinical testing. Allele origin: germline.

Breakthrough Genomics
Classification: Benign. Review status: criteria provided, single submitter. Criteria: ACMG Guidelines, 2015. Collection method: not provided. Allele origin: germline. Inheritance: Autosomal recessive inheritance. Affected: yes.

PreventionGenetics, part of Exact Sciences
Classification: Benign for GOT2-related condition. Last evaluated: 2024-03-14. Review status: no assertion criteria provided. Collection method: clinical testing. Allele origin: germline. Not counted in ClinVar's aggregate classification.
Comment: This variant is classified as benign based on ACMG/AMP sequence variant interpretation guidelines (Richards et al. 2015 PMID: 25741868, with internal and published modifications).